The following is an entry in ClinVar:

NM_000445.5(PLEC):c.178G>A (p.Val60Ile)

Gene: PLEC (plectin; minus strand). Cytogenetic location: 8q24.3.
Variant type: single nucleotide variant.
Coding change: c.178G>A on transcript NM_000445.5; coding-DNA position 178, G replaced by A.
Protein change: p.Val60Ile; replaces valine 60 with isoleucine.
Molecular consequence: missense variant.
Genome position (GRCh38, 1-based): chr8:143,975,192, C>T on the plus strand (G>A on the coding strand, the complement: PLEC is on the minus strand). VCF-style: chr8-143975192-C-T. GRCh37 (hg19) VCF-style: chr8-145049360-C-T.
Other names: c.178G>A, p.Val60Ile (NM_001410941.1); short protein forms V60I.
Identifiers: ClinVar variation 1523681 (VCV001523681.7), dbSNP rs2133005910, ClinGen allele CA372491386.

ClinVar aggregate classification (germline): Uncertain significance (1 of 4 stars; one submission).

Conditions:
Epidermolysis bullosa simplex with nail dystrophy (EBS5D). Identifiers: MedGen C4225309, MONDO:0014661, OMIM 616487.
Epidermolysis bullosa simplex, Ogna type (EBS5A). Also called: Pidermolysis bullosa simplex 5A, Ogna type; EPIDERMOLYSIS BULLOSA SIMPLEX 5A, OGNA TYPE. Identifiers: Orphanet 79401, MedGen C0432317, MONDO:0007555, OMIM 131950.
Autosomal recessive limb-girdle muscular dystrophy type 2Q (LGMDR17). Also called: MUSCULAR DYSTROPHY, LIMB-GIRDLE, AUTOSOMAL RECESSIVE 17. Identifiers: Orphanet 254361, MedGen C3150989, MONDO:0013390, OMIM 613723.
Epidermolysis bullosa simplex 5B, with muscular dystrophy (EBS5B). Also called: EPIDERMOLYSIS BULLOSA SIMPLEX AND LIMB-GIRDLE MUSCULAR DYSTROPHY; Epidermolysis bullosa simplex with muscular dystrophy. Identifiers: Orphanet 257, MedGen C2931072, MONDO:0009181, OMIM 226670.
Epidermolysis bullosa simplex 5C, with pyloric atresia (EBS5C). Also called: PLEC-Related Epidermolysis Bullosa with Pyloric Atresia; Epidermolysis bullosa simplex with pyloric atresia; PLEC1-Related Epidermolysis Bullosa with Pyloric Atresia. Identifiers: Orphanet 158684, MedGen C2677349, MONDO:0012807, OMIM 612138.

Submission:

Labcorp Genetics (formerly Invitae), Labcorp
Classification: Uncertain significance for Autosomal recessive limb-girdle muscular dystrophy type 2Q; Epidermolysis bullosa simplex, Ogna type; Epidermolysis bullosa simplex with nail dystrophy; Epidermolysis bullosa simplex 5C, with pyloric atresia; Epidermolysis bullosa simplex 5B, with muscular dystrophy. Last evaluated: 2021-10-08. Review status: criteria provided, single submitter. Criteria: Invitae Variant Classification Sherloc (09022015). Collection method: clinical testing. Allele origin: germline.
Comment: In summary, the available evidence is currently insufficient to determine the role of this variant in disease. Therefore, it has been classified as a Variant of Uncertain Significance. Algorithms developed to predict the effect of missense changes on protein structure and function are either unavailable or do not agree on the potential impact of this missense change (SIFT: "Tolerated"; PolyPhen-2: "Not Available"; Align-GVGD: "Class C0"). This variant has not been reported in the literature in individuals affected with PLEC-related conditions. This variant is not present in population databases (ExAC no frequency). This sequence change replaces valine with isoleucine at codon 60 of the PLEC protein (p.Val60Ile). The valine residue is weakly conserved and there is a small physicochemical difference between valine and isoleucine.